The following is an entry in ClinVar:

ClinVar aggregate classification (germline): Likely pathogenic (1 of 4 stars; one submission).

Conditions:
Familial cancer of breast. Also called: Hereditary breast cancer; BREAST CANCER, FAMILIAL; hereditary breast carcinoma. Identifiers: Orphanet 227535, MedGen C0346153, MONDO:0016419, OMIM 114480. Disease mechanism: loss of function.

Submission:

Myriad Genetics, Inc.
Classification: Likely pathogenic for Familial cancer of breast. Last evaluated: 2023-06-27. Review status: criteria provided, single submitter. Criteria: Myriad Autosomal Dominant, Autosomal Recessive and X-Linked Classification Criteria (2023). Collection method: clinical testing. Allele origin: unknown.
Comment: This variant is considered likely pathogenic. This variant occurs within a consensus splice junction and is predicted to result in abnormal mRNA splicing of either an out-of-frame exon or an in-frame exon necessary for protein stability and/or normal function.

NM_007194.4(CHEK2):c.1094_1095+4del

Gene: CHEK2 (checkpoint kinase 2; minus strand). Cytogenetic location: 22q12.1.
Variant type: Deletion.
Coding change: c.1094_1095+4del on transcript NM_007194.4 (MANE Select); coding-DNA position 1094 through 4 bases into the intron after coding-DNA position 1095, 6 bases deleted (AGGTAA; older notation c.1094_1095+4delAGGTAA).
Molecular consequence: splice donor variant. On other transcripts: intron variant (3).
Genome position (GRCh38, 1-based): chr22:28,696,897-28,696,902, TTACCT deleted on the plus strand (AGGTAA on the coding strand, the reverse complement: CHEK2 is on the minus strand); deleting any 6 consecutive bases within chr22:28,696,897-28,696,905 gives the same sequence; the c. name uses the placement nearest the transcript's 3' end. VCF-style (leftmost placement, unchanged base first): chr22-28696896-CTTACCT-C. GRCh37 (hg19) VCF-style: chr22-29092884-CTTACCT-C.
Other names: c.431_432+4del (NM_001437942.1, NM_001257387.3); c.893_894+4del (NM_001349956.3); c.1009-1029_1009-1024del (NM_145862.3); c.1102-1029_1102-1024del (NM_001438295.1); c.1187_1188+4del (NM_001438293.1); c.1138-1029_1138-1024del (NM_001438294.1); c.1223_1224+4del (NM_001005735.3).
Identifiers: ClinVar variation 2583424 (VCV002583424.2), dbSNP rs2517819834, ClinGen allele CA2582342804.